The following is an entry in ClinVar:

NM_194255.4(SLC19A1):c.1750G>A (p.Asp584Asn)

Gene: SLC19A1 (solute carrier family 19 member 1; minus strand). Cytogenetic location: 21q22.3.
Variant type: single nucleotide variant.
Coding change: c.1750G>A on transcript NM_194255.4 (MANE Select); coding-DNA position 1750, G replaced by A.
Protein change: p.Asp584Asn; replaces aspartic acid 584 with asparagine.
Molecular consequence: missense variant. On other transcripts: intron variant (2).
Genome position (GRCh38, 1-based): chr21:45,515,684, C>T on the plus strand (G>A on the coding strand, the complement: SLC19A1 is on the minus strand). VCF-style: chr21-45515684-C-T. GRCh37 (hg19) VCF-style: chr21-46935598-C-T.
Other names: c.1750G>A (NM_194255.2); c.1630G>A, p.Asp544Asn (NM_001205207.3); c.1396G>A, p.Asp466Asn (NM_001352510.2); c.1750G>A, p.Asp584Asn (NM_001352512.2); c.1294-532G>A (NM_001352511.3, NM_001205206.4); short protein forms D466N, D544N, D584N.
Identifiers: ClinVar variation 2885309 (VCV002885309.4), dbSNP rs774020530, ClinGen allele CA10068219.
Genomic context (GRCh38, chr21:45,515,684, plus strand): 5'-CCGCCTGCAAAGTTACCACAGGGGCGCCCGAGAGTCACTGGTTCACATTCTGAACACCGT[C>T]GCTTGGAAGACACTGCAAACCCAGCTTGCTGACACCAGGAGGATGGACAGCCAGCTGGGG-3'
Protein context (NP_919231.1, residues 574-591): SKLGLQCLPS[Asp584Asn]GVQNVNQ

ClinVar aggregate classification (germline): Uncertain significance. Review status: criteria provided, multiple submitters, no conflicts (2 of 4 stars). 2 submissions from 2 submitters: Uncertain significance (2). Last evaluated 2024-08-02.

Allele frequency attached by ClinVar (database versions not stated): gnomAD 0.00002; gnomAD exomes 0.00002; ExAC 0.00003; TOPMed 0.00003.
gnomAD v4.1: 30 of 1,613,570 alleles (0.0019%); highest among the groups gnomAD compares: Middle Eastern, 0.016%; no homozygotes.

Submissions (2):

Ambry Genetics
Classification: Uncertain significance. Last evaluated: 2024-08-02. Review status: criteria provided, single submitter. Criteria: Ambry Variant Classification Scheme 2023. Collection method: clinical testing. Allele origin: germline.

Labcorp Genetics (formerly Invitae), Labcorp
Classification: Uncertain significance. Last evaluated: 2023-06-09. Review status: criteria provided, single submitter. Criteria: Invitae Variant Classification Sherloc (09022015). Collection method: clinical testing. Allele origin: germline.
Comment: In summary, the available evidence is currently insufficient to determine the role of this variant in disease. Therefore, it has been classified as a Variant of Uncertain Significance. An algorithm developed to predict the effect of missense changes on protein structure and function (PolyPhen-2) suggests that this variant is likely to be tolerated. This variant has not been reported in the literature in individuals affected with SLC19A1-related conditions. This variant is present in population databases (rs774020530, gnomAD 0.01%). This sequence change replaces aspartic acid, which is acidic and polar, with asparagine, which is neutral and polar, at codon 584 of the SLC19A1 protein (p.Asp584Asn).